The following is an entry in ClinVar:

NM_003072.5(SMARCA4):c.3769G>C (p.Asp1257His)

Gene: SMARCA4 (SWI/SNF related BAF chromatin remodeling complex subunit ATPase 4; plus strand). Cytogenetic location: 19p13.2.
Variant type: single nucleotide variant.
Coding change: c.3769G>C on transcript NM_003072.5 (MANE Select); coding-DNA position 3769, G replaced by C.
Protein change: p.Asp1257His; replaces aspartic acid 1257 with histidine.
Molecular consequence: missense variant. On other transcripts: non-coding transcript variant (1).
Genome position (GRCh38, 1-based): chr19:11,033,512, G>C. VCF-style: chr19-11033512-G-C. GRCh37 (hg19) VCF-style: chr19-11144188-G-C.
Other names: c.3769G>C, p.Asp1257His (NM_001128844.3, NM_001128845.2, NM_001128846.2 and 5 more transcripts); short protein forms D1257H.
Identifiers: ClinVar variation 238436 (VCV000238436.11), dbSNP rs878854214, ClinGen allele CA10583744.

ClinVar aggregate classification (germline): Uncertain significance. Review status: criteria provided, multiple submitters, no conflicts (2 of 4 stars). 2 submissions from 2 submitters: Uncertain significance (2). Last evaluated 2021-12-10.

Conditions:
Hereditary cancer-predisposing syndrome. Also called: Neoplastic Syndromes, Hereditary; Hereditary neoplastic syndrome; Tumor predisposition; Hereditary Cancer Syndrome. Identifiers: Orphanet 140162, MedGen C0027672, MeSH D009386, MONDO:0015356.
Rhabdoid tumor predisposition syndrome 2 (RTPS2). Identifiers: Orphanet 231108, Orphanet 69077, MedGen C2750074, MONDO:0013224, OMIM 613325.

Submissions (2):

Ambry Genetics
Classification: Uncertain significance for Hereditary cancer-predisposing syndrome. Last evaluated: 2021-12-10. Review status: criteria provided, single submitter. Criteria: Ambry Variant Classification Scheme 2023. Collection method: clinical testing. Allele origin: germline.
Comment: The p.D1257H variant (also known as c.3769G>C), located in coding exon 25 of the SMARCA4 gene, results from a G to C substitution at nucleotide position 3769. The aspartic acid at codon 1257 is replaced by histidine, an amino acid with similar properties. This amino acid position is well conserved in available vertebrate species. In addition, the in silico prediction for this alteration is inconclusive. Missense and in-frame variants in SMARCA4 are known to cause neurodevelopmental disorders; however, such associations with rhabdoid tumor predisposition syndrome including small cell carcinoma of the ovary-hypercalcemic type (SCCOHT) are exceedingly rare (Kosho T et al. Am J Med Genet C Semin Med Genet. 2014 Sep;166C(3):262-75; Jelinic P et al. Nat Genet. 2014 May;46(5):424-6). Since supporting evidence is limited at this time, the clinical significance of this alteration remains unclear.

Labcorp Genetics (formerly Invitae), Labcorp
Classification: Uncertain significance for Rhabdoid tumor predisposition syndrome 2. Last evaluated: 2015-12-07. Review status: criteria provided, single submitter. Criteria: Invitae Variant Classification Sherloc (09022015). Collection method: clinical testing. Allele origin: germline.
Comment: In summary, this is a novel missense change with uncertain impact on protein function. It has been classified as a Variant of Uncertain Significance. Algorithms developed to predict the effect of missense changes on protein structure and function do not agree on the potential impact of this missense change (SIFT: "Deleterious"; PolyPhen-2: "Benign"; Align-GVGD: "Class C0"). This variant is not present in population databases (ExAC no frequency) and has not been reported in the literature in individuals with a SMARCA4-related disease. This sequence change replaces aspartic acid with histidine at codon 1257 of the SMARCA4 protein (p.Asp1257His). The aspartic acid residue is highly conserved and there is a moderate physicochemical difference between aspartic acid and histidine.